The following is an entry in ClinVar:

ClinVar aggregate classification (germline): Likely benign. Review status: criteria provided, multiple submitters, no conflicts (2 of 4 stars). 3 submissions from 3 submitters: Likely benign (3). Last evaluated 2021-07-29.

Allele frequency attached by ClinVar (database versions not stated): TOPMed 0.00002; ESP Exome Variant Server 0.00015.
gnomAD v4.1: 1 of 1,614,126 alleles (0.000062%); highest among the groups gnomAD compares: African/African-American, 0.0013%; no homozygotes.

Submissions (3):

Labcorp Genetics (formerly Invitae), Labcorp
Classification: Likely benign. Last evaluated: 2021-07-29. Review status: criteria provided, single submitter. Criteria: Invitae Variant Classification Sherloc (09022015). Collection method: clinical testing. Allele origin: germline.

CeGaT Center for Human Genetics Tuebingen
Classification: Likely benign. Last evaluated: 2020-12-01. Review status: criteria provided, single submitter. Criteria: CeGaT Center For Human Genetics Tuebingen Variant Classification Criteria Version 2. Collection method: clinical testing. Allele origin: germline. Affected: yes. Observed: 1 variant allele.

GeneDx
Classification: Likely benign. Last evaluated: 2016-05-20. Review status: criteria provided, single submitter. Criteria: GeneDx Variant Classification (06012015). Collection method: clinical testing. Allele origin: germline. Affected: yes.
Comment: This variant is considered likely benign or benign based on one or more of the following criteria: it is a conservative change, it occurs at a poorly conserved position in the protein, it is predicted to be benign by multiple in silico algorithms, and/or has population frequency not consistent with disease.

NM_001083961.2(WDR62):c.3702C>T (p.Leu1234=)

Gene: WDR62 (WD repeat domain 62; plus strand). Cytogenetic location: 19q13.12.
Variant type: single nucleotide variant.
Coding change: c.3702C>T on transcript NM_001083961.2 (MANE Select); coding-DNA position 3702, C replaced by T.
Protein change: p.Leu1234=; no amino-acid change (leucine 1234 retained).
Molecular consequence: synonymous variant.
Genome position (GRCh38, 1-based): chr19:36,103,530, C>T. VCF-style: chr19-36103530-C-T. GRCh37 (hg19) VCF-style: chr19-36594432-C-T.
Other names: c.3687C>T, p.Leu1229= (NM_173636.5).
Identifiers: ClinVar variation 386401 (VCV000386401.44), dbSNP rs143638774, ClinGen allele CA16607789.